The following is an entry in ClinVar:

NM_017617.5(NOTCH1):c.5484C>T (p.Pro1828=)

Gene: NOTCH1 (notch receptor 1; minus strand). Cytogenetic location: 9q34.3.
Variant type: single nucleotide variant.
Coding change: c.5484C>T on transcript NM_017617.5 (MANE Select); coding-DNA position 5484, C replaced by T.
Protein change: p.Pro1828=; no amino-acid change (proline 1828 retained).
Molecular consequence: synonymous variant.
Genome position (GRCh38, 1-based): chr9:136,501,902, G>A on the plus strand (C>T on the coding strand, the complement: NOTCH1 is on the minus strand). VCF-style: chr9-136501902-G-A. GRCh37 (hg19) VCF-style: chr9-139396354-G-A.
Identifiers: ClinVar variation 1643225 (VCV001643225.32), dbSNP rs1381340038, ClinGen allele CA467832412.

ClinVar aggregate classification (germline): Likely benign. Review status: criteria provided, multiple submitters, no conflicts (2 of 4 stars). 2 submissions from 2 submitters: Likely benign (2). Last evaluated 2026-01-19.

Conditions:
Adams-Oliver syndrome 5 (AOS5). Identifiers: Orphanet 974, MedGen C4014970, MONDO:0014459, OMIM 616028.

Allele frequency attached by ClinVar (database versions not stated): gnomAD exomes below 0.00001; TOPMed below 0.00001; gnomAD 0.00001.
gnomAD v4.1: 7 of 1,611,588 alleles (0.00043%); highest among the groups gnomAD compares: Admixed American, 0.005%; no homozygotes.

Submissions (2):

Labcorp Genetics (formerly Invitae), Labcorp
Classification: Likely benign for Adams-Oliver syndrome 5. Last evaluated: 2026-01-19. Review status: criteria provided, single submitter. Criteria: Invitae Variant Classification Sherloc (09022015). Collection method: clinical testing. Allele origin: germline.

CeGaT Center for Human Genetics Tuebingen
Classification: Likely benign. Last evaluated: 2023-10-01. Review status: criteria provided, single submitter. Criteria: CeGaT Center For Human Genetics Tuebingen Variant Classification Criteria Version 2. Collection method: clinical testing. Allele origin: germline. Affected: yes. Observed: 1 variant allele.
Comment: NOTCH1: BP4, BP7